The following is an entry in ClinVar:

ClinVar aggregate classification (germline): Pathogenic (1 of 4 stars; one submission).

Conditions:
Aicardi-Goutieres syndrome 2. Identifiers: Orphanet 51, MedGen C3489724, MONDO:0012429, OMIM 610181.

Submission:

Women's Health and Genetics/Laboratory Corporation of America, LabCorp
Classification: Pathogenic for Aicardi-Goutieres syndrome 2. Last evaluated: 2025-01-13. Review status: criteria provided, single submitter. Criteria: LabCorp Variant Classification Summary - May 2015. Collection method: clinical testing. Allele origin: germline.
Comment: Variant summary: The variant involves the deletion of exon 1 in the RNASEH2B gene. The exact breakpoint at the 5' end of this variant is unknown, therefore this deletion may extend upstream of the annotated region of this gene. Although the exact breakpoints of this deletion are not known, it is predicted to remove the initiation codon and result in an absence of protein or a truncation of the encoded protein due to translation initiation at a downstream site. A presumed nomenclature of c.(?_-287)_(64+1_65-1)del has been designated for the purposes of this classification. The variant was absent in 21694 control chromosomes. To our knowledge, no occurrence of c.(?_-287)_(64+1_65-1)del in individuals affected with Aicardi-Goutieres syndrome 2 and no experimental evidence demonstrating its impact on protein function have been reported. ClinVar contains an entry for this variant (Variation ID: 2426831). Based on the evidence outlined above, the variant was classified as pathogenic.

NC_000013.10:g.(?_51483926)_(51484277_51501542)del

Gene: RNASEH2B (ribonuclease H2 subunit B; plus strand). Cytogenetic location: 13q14.3.
Variant type: Deletion.
Identifiers: ClinVar variation 3769137 (VCV003769137.2).